The following is an entry in ClinVar:

ClinVar aggregate classification (germline): Uncertain significance (1 of 4 stars; one submission).

Conditions:
Charcot-Marie-Tooth disease axonal type 2O. Also called: Charcot-Marie-Tooth disease, axonal, type 20; CHARCOT-MARIE-TOOTH NEUROPATHY, AXONAL, TYPE 2O; CHARCOT-MARIE-TOOTH DISEASE, AXONAL, AUTOSOMAL DOMINANT, TYPE 2O; Charcot-Marie-Tooth Neuropathy Type 2O. Identifiers: Orphanet 284232, MedGen C3280220, MONDO:0013644, OMIM 614228.

Submission:

Labcorp Genetics (formerly Invitae), Labcorp
Classification: Uncertain significance for Charcot-Marie-Tooth disease axonal type 2O. Last evaluated: 2025-02-02. Review status: criteria provided, single submitter. Criteria: Invitae Variant Classification Sherloc (09022015). Collection method: clinical testing. Allele origin: germline.
Comment: This sequence change replaces serine, which is neutral and polar, with cysteine, which is neutral and slightly polar, at codon 4498 of the DYNC1H1 protein (p.Ser4498Cys). This variant is not present in population databases (gnomAD no frequency). This variant has not been reported in the literature in individuals affected with DYNC1H1-related conditions. Invitae Evidence Modeling of protein sequence and biophysical properties (such as structural, functional, and spatial information, amino acid conservation, physicochemical variation, residue mobility, and thermodynamic stability) indicates that this missense variant is not expected to disrupt DYNC1H1 protein function with a negative predictive value of 95%. In summary, the available evidence is currently insufficient to determine the role of this variant in disease. Therefore, it has been classified as a Variant of Uncertain Significance.

NM_001376.5(DYNC1H1):c.13493C>G (p.Ser4498Cys)

Gene: DYNC1H1 (dynein cytoplasmic 1 heavy chain 1; plus strand). Cytogenetic location: 14q32.31.
Variant type: single nucleotide variant.
Coding change: c.13493C>G on transcript NM_001376.5 (MANE Select); coding-DNA position 13493, C replaced by G.
Protein change: p.Ser4498Cys; replaces serine 4498 with cysteine.
Molecular consequence: missense variant.
Genome position (GRCh38, 1-based): chr14:102,049,560, C>G. VCF-style: chr14-102049560-C-G. GRCh37 (hg19) VCF-style: chr14-102515897-C-G.
Other names: short protein forms S4498C.
Identifiers: ClinVar variation 3636194 (VCV003636194.2).